The following is an entry in ClinVar:

NM_001165963.4(SCN1A):c.965-3C>A

Gene: SCN1A (sodium voltage-gated channel alpha subunit 1; minus strand). Cytogenetic location: 2q24.3.
Variant type: single nucleotide variant.
Coding change: c.965-3C>A on transcript NM_001165963.4 (MANE Select); 3 bases into the intron before coding-DNA position 965, C replaced by A.
Molecular consequence: intron variant.
Genome position (GRCh38, 1-based): chr2:166,048,952, G>T on the plus strand (C>A on the coding strand, the complement: SCN1A is on the minus strand). VCF-style: chr2-166048952-G-T. GRCh37 (hg19) VCF-style: chr2-166905462-G-T.
Other names: c.965-3C>A (NM_001353949.2, NM_001353958.2, NM_001353950.2 and 10 more transcripts); c.-1461-3C>A (NM_001353961.2).
Identifiers: ClinVar variation 1043428 (VCV001043428.9), dbSNP rs1698197579, ClinGen allele CA1304863915.
Genomic context (GRCh38, chr2:166,048,952, plus strand): 5'-TCAGAGCTATTTCCACATAGTAGTGCATCTAAAAAACCCTCCAGGAAATAATGATATCCT[G>T]TTTGAAAAAAGAAAGTCGTATGATGAACATTTGCATTGTTAAAAACACTCAAATGAGAAC-3'

ClinVar aggregate classification (germline): Uncertain significance (1 of 4 stars; one submission).

Conditions:
Early-infantile DEE. Also called: Ohtahara syndrome; Early infantile epileptic encephalopathy with suppression bursts; Early infantile epileptic encephalopathy. Identifiers: Orphanet 1934, MedGen C0393706, MONDO:0800491.

Submission:

Labcorp Genetics (formerly Invitae), Labcorp
Classification: Uncertain significance for Early-infantile DEE. Last evaluated: 2020-09-11. Review status: criteria provided, single submitter. Criteria: Invitae Variant Classification Sherloc (09022015). Collection method: clinical testing. Allele origin: germline.
Comment: Nucleotide substitutions within the consensus splice site are a relatively common cause of aberrant splicing (PMID: 17576681, 9536098). Algorithms developed to predict the effect of sequence changes on RNA splicing suggest that this variant may disrupt the consensus splice site, but this prediction has not been confirmed by published transcriptional studies. This variant has not been reported in the literature in individuals with SCN1A-related conditions. This variant is not present in population databases (ExAC no frequency). This sequence change falls in intron 6 of the SCN1A gene. It does not directly change the encoded amino acid sequence of the SCN1A protein, but it affects a nucleotide within the consensus splice site of the intron. In summary, the available evidence is currently insufficient to determine the role of this variant in disease. Therefore, it has been classified as a Variant of Uncertain Significance.

Literature cited by the submitters: PubMed 17576681; PubMed 9536098.